The following is an entry in ClinVar:

ClinVar aggregate classification (germline): Uncertain significance. Review status: criteria provided, multiple submitters, no conflicts (2 of 4 stars). 4 submissions from 4 submitters: Uncertain significance (4). Last evaluated 2026-03-17.

Conditions:
Myopathy, myofibrillar, 9, with early respiratory failure (MFM9). Also called: Hereditary myopathy with early respiratory failure; Myopathy, distal, with early respiratory failure, autosomal dominant; EDSTROM MYOPATHY; MYOPATHY, PROXIMAL, WITH EARLY RESPIRATORY MUSCLE INVOLVEMENT. Identifiers: Orphanet 178464, Orphanet 34521, MedGen C1863599, MONDO:0011362, OMIM 603689.
Dilated cardiomyopathy 1G (CMD1G). Identifiers: Orphanet 154, MedGen C1858763, MONDO:0011400, OMIM 604145.
Tibial muscular dystrophy (TMD). Also called: Udd Distal Myopathy – Tibial Muscular Dystrophy; Tibial muscular dystrophy, tardive; UDD MYOPATHY. Identifiers: Orphanet 609, MedGen C1838244, MONDO:0010870, OMIM 600334.
Hypertrophic cardiomyopathy 9. Also called: Familial hypertrophic cardiomyopathy 9. Identifiers: MedGen C1861065, MONDO:0013412, OMIM 613765.
Autosomal recessive limb-girdle muscular dystrophy type 2J (LGMDR10). Also called: Limb-girdle muscular dystrophy, type 2J; MUSCULAR DYSTROPHY, LIMB-GIRDLE, AUTOSOMAL RECESSIVE 10. Identifiers: Orphanet 140922, MedGen C1837342, MONDO:0012127, OMIM 608807.
Early-onset myopathy with fatal cardiomyopathy (CMYO5). Also called: Salih Myopathy; CONGENITAL MYOPATHY 5 WITH CARDIOMYOPATHY. Identifiers: Orphanet 289377, MedGen C2673677, MONDO:0012714, OMIM 611705. Disease mechanism: loss of function.

Allele frequency attached by ClinVar (database versions not stated): gnomAD 0.00003 and 0.00002; gnomAD exomes 0.00001.
gnomAD v4.1: 20 of 1,613,030 alleles (0.0012%); highest among the groups gnomAD compares: African/African-American, 0.008%; no homozygotes.

Submissions (4):

GeneDx
Classification: Uncertain significance. Last evaluated: 2026-03-17. Review status: criteria provided, single submitter. Criteria: GeneDx Variant Classification Process June 2021. Collection method: clinical testing. Allele origin: germline.
Comment: Not published as pathogenic or benign in association with a TTN-related phenotype; Not observed at significant frequency in large population cohorts (gnomAD); Missense variant in a gene in which most reported pathogenic variants are truncating/loss of function; This variant is associated with the following publications: (PMID: 32574564)

Revvity Omics, Revvity
Classification: Uncertain significance. Last evaluated: 2022-10-17. Review status: criteria provided, single submitter. Criteria: ACMG Guidelines, 2015. Collection method: clinical testing. Allele origin: germline.

Mayo Clinic Laboratories, Mayo Clinic
Classification: Uncertain significance. Last evaluated: 2021-12-21. Review status: criteria provided, single submitter. Criteria: ACMG Guidelines, 2015. Collection method: clinical testing. Allele origin: germline.

Fulgent Genetics
Classification: Uncertain significance for Tibial muscular dystrophy; Myopathy, myofibrillar, 9, with early respiratory failure; Dilated cardiomyopathy 1G; Autosomal recessive limb-girdle muscular dystrophy type 2J; Early-onset myopathy with fatal cardiomyopathy; Hypertrophic cardiomyopathy 9. Last evaluated: 2021-08-12. Review status: criteria provided, single submitter. Criteria: ACMG Guidelines, 2015. Collection method: clinical testing. Allele origin: unknown.

NM_001267550.2(TTN):c.22772A>G (p.Asn7591Ser)

Gene: TTN (titin; minus strand). Cytogenetic location: 2q31.2.
Variant type: single nucleotide variant.
Coding change: c.22772A>G on transcript NM_001267550.2 (MANE Select); coding-DNA position 22772, A replaced by G.
Protein change: p.Asn7591Ser; replaces asparagine 7591 with serine.
Molecular consequence: missense variant. On other transcripts: intron variant (3).
Genome position (GRCh38, 1-based): chr2:178,721,891, T>C on the plus strand (A>G on the coding strand, the complement: TTN is on the minus strand). VCF-style: chr2-178721891-T-C. GRCh37 (hg19) VCF-style: chr2-179586618-T-C.
Other names: p.Asn7274Ser; c.21821A>G, p.Asn7274Ser (NM_001256850.1); c.19040A>G, p.Asn6347Ser (NM_133378.4); c.13282+16191A>G (NM_003319.4); c.13858+16191A>G (NM_133437.4); c.13657+16191A>G (NM_133432.3); c.22772A>G (NM_001267550.1); short protein forms N6347S, N7274S, N7591S.
Identifiers: ClinVar variation 1693848 (VCV001693848.9), dbSNP rs368750726, ClinGen allele CA60972605.